The following is an entry in ClinVar:

ClinVar aggregate classification (germline): Uncertain significance (1 of 4 stars; one submission).

Allele frequency attached by ClinVar (database versions not stated): gnomAD exomes 0.00001.
gnomAD v4.1: 7 of 1,614,200 alleles (0.00043%); highest among the groups gnomAD compares: Non-Finnish European, 0.00051%; no homozygotes.

Submission:

GeneDx
Classification: Uncertain significance. Last evaluated: 2014-12-15. Review status: criteria provided, single submitter. Criteria: GeneDx Variant Classification (06012015). Collection method: clinical testing. Allele origin: germline. Affected: yes.
Comment: p.Lys842Arg (AAG>AGG): c.2525 A>G in exon 16 of the CNTNAP2 gene (NM_014141.5). The K842R variant has not been published as a mutation, nor has it been reported as a benign polymorphism to our knowledge. It was not observed in approximately 6,500 individuals of European and African American ancestry in the NHLBI Exome Sequencing Project, indicating it is not a common benign variant in these populations. The K842R variant is a conservative amino acid substitution, which is not likely to impact secondary protein structure as these residues share similar properties. This substitution occurs at a position that is not conserved across species, and in silico analysis predicts this variant likely does not alter the protein structure/function. The clinical and molecular information available at this time suggests that this variant is likely non-pathogenic; however, the possibility that it is a disease-associated mutation cannot be excluded. The variant is found in EPILEPSYV2-1 panel(s).

NM_014141.6(CNTNAP2):c.2525A>G (p.Lys842Arg)

Gene: CNTNAP2 (contactin associated protein 2; plus strand). Cytogenetic location: 7q35.
Variant type: single nucleotide variant.
Coding change: c.2525A>G on transcript NM_014141.6 (MANE Select); coding-DNA position 2525, A replaced by G.
Protein change: p.Lys842Arg; replaces lysine 842 with arginine.
Molecular consequence: missense variant.
Genome position (GRCh38, 1-based): chr7:148,118,259, A>G. VCF-style: chr7-148118259-A-G. GRCh37 (hg19) VCF-style: chr7-147815351-A-G.
Other names: p.K842R:AAG>AGG; short protein forms K842R.
Identifiers: ClinVar variation 205268 (VCV000205268.2), dbSNP rs796052378, ClinGen allele CA314170.